The following is an entry in ClinVar:

NM_006531.5(IFT88):c.886G>A (p.Glu296Lys)

Gene: IFT88 (intraflagellar transport 88; plus strand). Cytogenetic location: 13q12.11.
Variant type: single nucleotide variant.
Coding change: c.886G>A on transcript NM_006531.5 (MANE Select); coding-DNA position 886, G replaced by A.
Protein change: p.Glu296Lys; replaces glutamic acid 296 with lysine.
Molecular consequence: missense variant. On other transcripts: non-coding transcript variant (5), intron variant (7).
Genome position (GRCh38, 1-based): chr13:20,601,778, G>A. VCF-style: chr13-20601778-G-A. GRCh37 (hg19) VCF-style: chr13-21175917-G-A.
Other names: c.913G>A, p.Glu305Lys (NM_001353567.2, NM_175605.5, NM_001318493.2 and 2 more transcripts); c.886G>A, p.Glu296Lys (NM_001353568.2, NM_001353572.2); c.829G>A, p.Glu277Lys (NM_001353573.2, NM_001353575.2, NM_001318491.2); c.253G>A, p.Glu85Lys (NM_001353579.2); c.883+30G>A (NM_001353570.2, NM_001353576.2, NM_001353577.2 and 1 more transcripts); c.856+30G>A (NM_001353571.2, NM_001353578.2); c.799+30G>A (NM_001353574.2); short protein forms E277K, E296K, E305K, E85K.
Identifiers: ClinVar variation 2753870 (VCV002753870.3), dbSNP rs1594059915, ClinGen allele CA387474623.

ClinVar aggregate classification (germline): Uncertain significance (1 of 4 stars; one submission).

Allele frequency attached by ClinVar (database versions not stated): gnomAD exomes below 0.00001.
gnomAD v4.1: 1 of 1,613,248 alleles (0.000062%); highest among the groups gnomAD compares: South Asian, 0.0011%; no homozygotes.

Submission:

Labcorp Genetics (formerly Invitae), Labcorp
Classification: Uncertain significance. Last evaluated: 2023-08-18. Review status: criteria provided, single submitter. Criteria: Invitae Variant Classification Sherloc (09022015). Collection method: clinical testing. Allele origin: germline.
Comment: This variant has not been reported in the literature in individuals affected with IFT88-related conditions. In summary, the available evidence is currently insufficient to determine the role of this variant in disease. Therefore, it has been classified as a Variant of Uncertain Significance. An algorithm developed to predict the effect of missense changes on protein structure and function (PolyPhen-2) suggests that this variant is likely to be disruptive. This variant is not present in population databases (gnomAD no frequency). This sequence change replaces glutamic acid, which is acidic and polar, with lysine, which is basic and polar, at codon 305 of the IFT88 protein (p.Glu305Lys).